The following is an entry in ClinVar:

ClinVar aggregate classification (germline): Benign/Likely benign. Review status: criteria provided, multiple submitters, no conflicts (2 of 4 stars). 14 submissions from 14 submitters: Benign (10); Likely benign (2). 2 of the submissions do not count toward it. Last evaluated 2026-05-01.

Conditions:
PKHD1-related disorder. Also called: PKHD1-related condition.
Polycystic kidney disease 4 (PKD4). Also called: POLYCYSTIC KIDNEY AND HEPATIC DISEASE 1; POLYCYSTIC KIDNEY DISEASE, INFANTILE, TYPE I; POLYCYSTIC KIDNEY DISEASE 4 WITH OR WITHOUT POLYCYSTIC LIVER DISEASE; Autosomal Recessive Polycystic Kidney Disease – PKHD1; PKD3. Identifiers: MedGen C4540575, MONDO:0033004, OMIM 263200.
Autosomal recessive polycystic kidney disease (ARPKD). Also called: AR polycystic kidney disease. Identifiers: Orphanet 731, Orphanet 8378, MedGen C0085548, MeSH D017044, MONDO:0009889.

Allele frequency attached by ClinVar (database versions not stated): gnomAD exomes 0.00301; ExAC 0.00357; gnomAD 0.01112 and 0.01187; 1000 Genomes Project 0.01218; 1000 Genomes Project 30x 0.01265; ESP Exome Variant Server 0.01346; TOPMed 0.01247.
gnomAD v4.1: 3,531 of 1,613,658 alleles (0.22%); highest among the groups gnomAD compares: African/African-American, 3.9%; 66 homozygotes.

Submissions (14):

CeGaT Center for Human Genetics Tuebingen
Classification: Benign. Last evaluated: 2026-05-01. Review status: criteria provided, single submitter. Criteria: CeGaT Center For Human Genetics Tuebingen Variant Classification Criteria Version 2. Collection method: clinical testing. Allele origin: germline. Affected: yes. Observed: 2 variant alleles.
Comment: PKHD1: BP4, BS1, BS2

Labcorp Genetics (formerly Invitae), Labcorp
Classification: Benign for Autosomal recessive polycystic kidney disease. Last evaluated: 2026-02-01. Review status: criteria provided, single submitter. Criteria: Invitae Variant Classification Sherloc (09022015). Collection method: clinical testing. Allele origin: germline.

PreventionGenetics, part of Exact Sciences
Classification: Benign for PKHD1-related condition. Last evaluated: 2024-11-26. Review status: criteria provided, single submitter. Criteria: ACMG Guidelines, 2015. Collection method: clinical testing. Allele origin: germline.
Comment: This variant is classified as benign based on ACMG/AMP sequence variant interpretation guidelines (Richards et al. 2015 PMID: 25741868, with internal and published modifications).

Mayo Clinic Laboratories, Mayo Clinic
Classification: Benign. Last evaluated: 2023-01-09. Review status: criteria provided, single submitter. Criteria: ACMG Guidelines, 2015. Collection method: clinical testing. Allele origin: germline. Observed: 10 variant alleles.
Comment: BA1

Women's Health and Genetics/Laboratory Corporation of America, LabCorp
Classification: Benign. Last evaluated: 2020-08-07. Review status: criteria provided, single submitter. Criteria: LabCorp Variant Classification Summary - May 2015. Collection method: clinical testing. Allele origin: germline.
Comment: Variant summary: PKHD1 c.10585G>C (p.Glu3529Gln) results in a conservative amino acid change in the encoded protein sequence. Four of five in-silico tools predict a benign effect of the variant on protein function. The variant allele was found at a frequency of 0.0039 in 281654 control chromosomes, predominantly at a frequency of 0.038 within the African or African-American subpopulation in the gnomAD database (v2.1), including 21 homozygotes. The observed variant frequency within African or African-American control individuals in the gnomAD database is approximately 5-fold of the estimated maximal expected allele frequency for a pathogenic variant in PKHD1 causing Polycystic Kidney and Hepatic Disease phenotype (0.0071), strongly suggesting that the variant is a benign polymorphism found primarily in populations of African or African-American origin. c.10585G>C has been reported in the literature in an individual affected with Polycystic Kidney and Hepatic Disease (Rossetti_2003). This report however does not provide unequivocal conclusions about association of the variant with Polycystic Kidney and Hepatic Disease. To our knowledge, no experimental evidence demonstrating an impact on protein function has been reported. Five other clinical diagnostic laboratories have submitted clinical-significance assessments for this variant to ClinVar after 2014 without evidence for independent evaluation. All laboratories classified the variant as benign (4x) / likely benign (1x). Based on the evidence outlined above, the variant was classified as benign.

GeneDx
Classification: Benign. Last evaluated: 2019-10-29. Review status: criteria provided, single submitter. Criteria: GeneDx Variant Classification Process June 2021. Collection method: clinical testing. Allele origin: germline. Affected: yes.
Comment: This variant is associated with the following publications: (PMID: 22995991, 21228398, 12846734, 27884173, 26990548, 24984783)

Department of Pathology and Laboratory Medicine, Sinai Health System
Classification: Benign for Polycystic kidney disease 4. Last evaluated: 2019-09-30. Review status: criteria provided, single submitter. Criteria: ACMG Guidelines, 2015. Collection method: clinical testing. Allele origin: germline. Affected: yes.

SIB Swiss Institute of Bioinformatics
Classification: Benign for Polycystic kidney disease 4. Last evaluated: 2018-05-31. Review status: criteria provided, single submitter. Criteria: ACMG Guidelines, 2015. Collection method: curation. Allele origin: unknown.
Comment: This variant is interpreted as a Benign, for Polycystic kidney disease 4 with or without polycystic liver disease, in Autosomal Recessive manner. The following ACMG Tag(s) were applied: BS1 => Allele frequency is greater than expected for disorder. BS2 => Observed in a healthy adult individual for a recessive (homozygous), dominant (heterozygous), or X-linked (hemizygous) disorder, with full penetrance expected at an early age.

Illumina Laboratory Services, Illumina
Classification: Benign for Polycystic kidney disease 4. Last evaluated: 2017-04-28. Review status: criteria provided, single submitter. Criteria: ICSL Variant Classification Criteria 13 December 2019. Collection method: clinical testing. Allele origin: germline.
Comment: This variant was observed as part of a predisposition screen in an ostensibly healthy population. A literature search was performed for the gene, cDNA change, and amino acid change (where applicable). No publications were found based on this search. Allele frequency data from public databases was too high to be consistent with this variant causing disease. Therefore, this variant is classified as benign.

Eurofins Ntd Llc (ga)
Classification: Benign. Last evaluated: 2015-08-20. Review status: criteria provided, single submitter. Criteria: EGL Classification Definitions 2015. Collection method: clinical testing. Allele origin: germline. Observed: 2 variant alleles, 2 heterozygotes.

Center for Pediatric Genomic Medicine, Children's Mercy Hospital and Clinics
Classification: Likely benign. Last evaluated: 2015-07-08. Review status: criteria provided, single submitter. Criteria: ACMG Guidelines, 2015. Collection method: clinical testing. Allele origin: germline.
ClinVar note: Converted during submission from Likely Benign to Likely benign.

Breakthrough Genomics
Classification: Likely benign. Review status: criteria provided, single submitter. Criteria: ACMG Guidelines, 2015. Collection method: not provided. Allele origin: germline. Inheritance: Autosomal recessive inheritance. Affected: yes.

Natera, Inc.
Classification: Benign for Autosomal recessive polycystic kidney disease. Last evaluated: 2017-06-30. Review status: no assertion criteria provided. Collection method: clinical testing. Allele origin: germline. Not counted in ClinVar's aggregate classification.

Counsyl
Classification: Likely benign for Polycystic kidney disease, infantile type. Last evaluated: 2014-08-13. Review status: no assertion criteria provided. Collection method: literature only. Allele origin: unknown. Inheritance: Autosomal recessive inheritance. Not counted in ClinVar's aggregate classification.

Literature cited by the submitters: PubMed 22995991 (cited by Women's Health and Genetics/Laboratory Corporation of America, LabCorp); PubMed 12846734 (cited by 3 submitters); PubMed 24984783 (cited by Counsyl).

NM_138694.4(PKHD1):c.10585G>C (p.Glu3529Gln)

Gene: PKHD1 (PKHD1 ciliary IPT domain containing fibrocystin/polyductin; minus strand). Cytogenetic location: 6p12.3.
Variant type: single nucleotide variant.
Coding change: c.10585G>C on transcript NM_138694.4 (MANE Select); coding-DNA position 10585, G replaced by C.
Protein change: p.Glu3529Gln; replaces glutamic acid 3529 with glutamine.
Molecular consequence: missense variant.
Genome position (GRCh38, 1-based): chr6:51,659,541, C>G on the plus strand (G>C on the coding strand, the complement: PKHD1 is on the minus strand). VCF-style: chr6-51659541-C-G. GRCh37 (hg19) VCF-style: chr6-51524339-C-G.
Other names: NM_138694.3(PKHD1):c.10585G>C(p.Glu3529Gln); short protein forms E3529Q.
Identifiers: ClinVar variation 96367 (VCV000096367.41), dbSNP rs145184792, ClinGen allele CA149474.